The following is an entry in ClinVar:

ClinVar aggregate classification (germline): Uncertain significance. Review status: criteria provided, multiple submitters, no conflicts (2 of 4 stars). 2 submissions from 2 submitters: Uncertain significance (2). Last evaluated 2025-12-03.

Allele frequency attached by ClinVar (database versions not stated): gnomAD 0.00001; gnomAD exomes 0.00001 and 0.00003; TOPMed 0.00002.
gnomAD v4.1: 6 of 1,568,418 alleles (0.00038%); highest among the groups gnomAD compares: Admixed American, 0.0095%; no homozygotes.

Submissions (2):

Labcorp Genetics (formerly Invitae), Labcorp
Classification: Uncertain significance. Last evaluated: 2025-12-03. Review status: criteria provided, single submitter. Criteria: Invitae Variant Classification Sherloc (09022015). Collection method: clinical testing. Allele origin: germline.
Comment: This sequence change replaces isoleucine, which is neutral and non-polar, with leucine, which is neutral and non-polar, at codon 285 of the DSCAML1 protein (p.Ile285Leu). This variant is present in population databases (no rsID available, gnomAD 0.02%). This variant has not been reported in the literature in individuals affected with DSCAML1-related conditions. ClinVar contains an entry for this variant (Variation ID: 1393391). An algorithm developed to predict the effect of missense changes on protein structure and function (PolyPhen-2) suggests that this variant is likely to be tolerated. In summary, the available evidence is currently insufficient to determine the role of this variant in disease. Therefore, it has been classified as a Variant of Uncertain Significance.

Ambry Genetics
Classification: Uncertain significance. Last evaluated: 2025-08-20. Review status: criteria provided, single submitter. Criteria: Ambry Variant Classification Scheme 2023. Collection method: clinical testing. Allele origin: germline.

NM_020693.4(DSCAML1):c.673A>C (p.Ile225Leu)

Gene: DSCAML1 (DS cell adhesion molecule like 1; minus strand). Cytogenetic location: 11q23.3.
Variant type: single nucleotide variant.
Coding change: c.673A>C on transcript NM_020693.4 (MANE Select); coding-DNA position 673, A replaced by C.
Protein change: p.Ile225Leu; replaces isoleucine 225 with leucine.
Molecular consequence: missense variant.
Genome position (GRCh38, 1-based): chr11:117,525,069, T>G on the plus strand (A>C on the coding strand, the complement: DSCAML1 is on the minus strand). VCF-style: chr11-117525069-T-G. GRCh37 (hg19) VCF-style: chr11-117395784-T-G.
Other names: c.673A>C, p.Ile225Leu (NM_001367904.1); c.265A>C, p.Ile89Leu (NM_001367905.1); c.853A>C (NM_020693.2); short protein forms I225L, I89L.
Identifiers: ClinVar variation 1393391 (VCV001393391.7), dbSNP rs996324129, ClinGen allele CA229378716.